The following is an entry in ClinVar:

ClinVar aggregate classification (germline): Uncertain significance (1 of 4 stars; one submission).

Conditions:
Arrhythmogenic right ventricular dysplasia 5. Also called: Arrhythmogenic Right Ventricular Dysplasia/Cardiomyopathy 5; ARRHYTHMOGENIC RIGHT VENTRICULAR DYSPLASIA, FAMILIAL, 5. Identifiers: MedGen C1858379, MONDO:0011459, OMIM 604400.

Submission:

Labcorp Genetics (formerly Invitae), Labcorp
Classification: Uncertain significance for Arrhythmogenic right ventricular dysplasia 5. Last evaluated: 2023-08-17. Review status: criteria provided, single submitter. Criteria: Invitae Variant Classification Sherloc (09022015). Collection method: clinical testing. Allele origin: germline.
Comment: This sequence change replaces valine, which is neutral and non-polar, with methionine, which is neutral and non-polar, at codon 385 of the TMEM43 protein (p.Val385Met). This variant is not present in population databases (gnomAD no frequency). This variant has not been reported in the literature in individuals affected with TMEM43-related conditions. ClinVar contains an entry for this variant (Variation ID: 1717398). Advanced modeling of protein sequence and biophysical properties (such as structural, functional, and spatial information, amino acid conservation, physicochemical variation, residue mobility, and thermodynamic stability) performed at Invitae indicates that this missense variant is not expected to disrupt TMEM43 protein function. In summary, the available evidence is currently insufficient to determine the role of this variant in disease. Therefore, it has been classified as a Variant of Uncertain Significance.

NM_024334.3(TMEM43):c.1153G>A (p.Val385Met)

Gene: TMEM43 (transmembrane protein 43; plus strand). Cytogenetic location: 3p25.1.
Variant type: single nucleotide variant.
Coding change: c.1153G>A on transcript NM_024334.3 (MANE Select); coding-DNA position 1153, G replaced by A.
Protein change: p.Val385Met; replaces valine 385 with methionine.
Molecular consequence: missense variant.
Genome position (GRCh38, 1-based): chr3:14,141,745, G>A. VCF-style: chr3-14141745-G-A. GRCh37 (hg19) VCF-style: chr3-14183245-G-A.
Other names: c.1156G>A, p.Val386Met (NM_001407274.1); c.1150G>A, p.Val384Met (NM_001407275.1, NM_001407276.1); c.1147G>A, p.Val383Met (NM_001407277.1); c.1138G>A, p.Val380Met (NM_001407278.1); c.1078G>A, p.Val360Met (NM_001407279.1); c.1003G>A, p.Val335Met (NM_001407280.1); short protein forms V335M, V360M, V380M, V383M, V384M, V385M, V386M.
Identifiers: ClinVar variation 1717398 (VCV001717398.5), dbSNP rs2470201572, ClinGen allele CA351536631.